The following is an entry in ClinVar:

NM_001330260.2(SCN8A):c.4863G>C (p.Leu1621Phe)

Gene: SCN8A (sodium voltage-gated channel alpha subunit 8; plus strand). Cytogenetic location: 12q13.13.
Variant type: single nucleotide variant.
Coding change: c.4863G>C on transcript NM_001330260.2 (MANE Select); coding-DNA position 4863, G replaced by C.
Protein change: p.Leu1621Phe; replaces leucine 1621 with phenylalanine.
Molecular consequence: missense variant.
Genome position (GRCh38, 1-based): chr12:51,806,349, G>C. VCF-style: chr12-51806349-G-C. GRCh37 (hg19) VCF-style: chr12-52200133-G-C.
Other names: c.4740G>C, p.Leu1580Phe (NM_001177984.3, NM_001369788.1); c.4863G>C, p.Leu1621Phe (NM_014191.4); short protein forms L1621F, L1580F.
Identifiers: ClinVar variation 3635209 (VCV003635209.2).

ClinVar aggregate classification (germline): Pathogenic (1 of 4 stars; one submission).

Conditions:
Early-infantile DEE. Also called: Early infantile epileptic encephalopathy; Ohtahara syndrome; Early infantile epileptic encephalopathy with suppression bursts. Identifiers: Orphanet 1934, MedGen C0393706, MONDO:0800491.

Submission:

Labcorp Genetics (formerly Invitae), Labcorp
Classification: Pathogenic for Early-infantile DEE. Last evaluated: 2024-12-31. Review status: criteria provided, single submitter. Criteria: Invitae Variant Classification Sherloc (09022015). Collection method: clinical testing. Allele origin: germline.
Comment: This sequence change replaces leucine, which is neutral and non-polar, with phenylalanine, which is neutral and non-polar, at codon 1621 of the SCN8A protein (p.Leu1621Phe). This variant is not present in population databases (gnomAD no frequency). This missense change has been observed in individual(s) with SCN8A-related conditions (internal data). In at least one individual the variant was observed to be de novo. Invitae Evidence Modeling of protein sequence and biophysical properties (such as structural, functional, and spatial information, amino acid conservation, physicochemical variation, residue mobility, and thermodynamic stability) indicates that this missense variant is expected to disrupt SCN8A protein function with a positive predictive value of 95%. For these reasons, this variant has been classified as Pathogenic.